The following is an entry in ClinVar:

NM_014009.4(FOXP3):c.992T>C (p.Phe331Ser)

Gene: FOXP3 (forkhead box P3; minus strand). Cytogenetic location: Xp11.23.
Variant type: single nucleotide variant.
Coding change: c.992T>C on transcript NM_014009.4 (MANE Select); coding-DNA position 992, T replaced by C.
Protein change: p.Phe331Ser; replaces phenylalanine 331 with serine.
Molecular consequence: missense variant.
Genome position (GRCh38, 1-based): chrX:49,253,178, A>G on the plus strand (T>C on the coding strand, the complement: FOXP3 is on the minus strand). VCF-style: chrX-49253178-A-G. GRCh37 (hg19) VCF-style: chrX-49109639-A-G.
Other names: c.887T>C, p.Phe296Ser (NM_001114377.2); short protein forms F296S, F331S.
Identifiers: ClinVar variation 2760890 (VCV002760890.3), dbSNP rs2519188490, ClinGen allele CA412950302.
Genomic context (GRCh38, chrX:49,253,178, plus strand): 5'-CTGCTTACCCAGCGGATGAGCGTGGCGTAGGTGAAAGGGGGTCGCATGTTGTGGAACTTG[A>G]AGTAGTCCATGTTGTGGAGGAACTCTGTCAGAGGGTGGGGATGAATCAAGCCCCATGCAG-3'
Protein context (NP_054728.2, residues 321-341): FPEFLHNMDY[Phe331Ser]KFHNMRPPFT

ClinVar aggregate classification (germline): Uncertain significance (1 of 4 stars; one submission).

Conditions:
Insulin-dependent diabetes mellitus secretory diarrhea syndrome (IPEX). Also called: DIABETES MELLITUS, CONGENITAL INSULIN-DEPENDENT, WITH FATAL SECRETORY DIARRHEA; DIARRHEA, POLYENDOCRINOPATHY, FATAL INFECTION SYNDROME, X-LINKED; ENTEROPATHY, AUTOIMMUNE, WITH HEMOLYTIC ANEMIA AND POLYENDOCRINOPATHY; IMMUNODEFICIENCY, POLYENDOCRINOPATHY, AND ENTEROPATHY, X-LINKED; Immunodysregulation, polyendocrinopathy, and enteropathy, X-linked; IPEX and IPEX-Like. Identifiers: Orphanet 37042, MedGen C0342288, MONDO:0010580, OMIM 304790. Disease mechanism: loss of function.

Submission:

Labcorp Genetics (formerly Invitae), Labcorp
Classification: Uncertain significance for Insulin-dependent diabetes mellitus secretory diarrhea syndrome. Last evaluated: 2023-06-03. Review status: criteria provided, single submitter. Criteria: Invitae Variant Classification Sherloc (09022015). Collection method: clinical testing. Allele origin: germline.
Comment: This variant is not present in population databases (gnomAD no frequency). In summary, the available evidence is currently insufficient to determine the role of this variant in disease. Therefore, it has been classified as a Variant of Uncertain Significance. Advanced modeling of protein sequence and biophysical properties (such as structural, functional, and spatial information, amino acid conservation, physicochemical variation, residue mobility, and thermodynamic stability) performed at Invitae indicates that this missense variant is not expected to disrupt FOXP3 protein function. This variant has not been reported in the literature in individuals affected with FOXP3-related conditions. This sequence change replaces phenylalanine, which is neutral and non-polar, with serine, which is neutral and polar, at codon 331 of the FOXP3 protein (p.Phe331Ser).